The following is an entry in ClinVar:

NM_001142800.2(EYS):c.5450G>A (p.Trp1817Ter)

Gene: EYS (EGF-like photoreceptor maintenance factor; minus strand). Cytogenetic location: 6q12.
Variant type: single nucleotide variant.
Coding change: c.5450G>A on transcript NM_001142800.2 (MANE Select); coding-DNA position 5450, G replaced by A.
Protein change: p.Trp1817Ter; replaces tryptophan 1817 with a stop codon.
Molecular consequence: nonsense.
Genome position (GRCh38, 1-based): chr6:64,590,417, C>T on the plus strand (G>A on the coding strand, the complement: EYS is on the minus strand). VCF-style: chr6-64590417-C-T. GRCh37 (hg19) VCF-style: chr6-65300310-C-T.
Other names: c.5450G>A, p.Trp1817Ter (NM_001292009.2); short protein forms W1817*.
Identifiers: ClinVar variation 802233 (VCV000802233.11), dbSNP rs983691310, ClinGen allele CA140340871.
Genomic context (GRCh38, chr6:64,590,417, plus strand): 5'-CATTCTGAAGAAGTCTTGACCTCTTTTTTAAGAGAGGTCATATAATCTGTAAAATATGGC[C>T]AATCTGGCCTAATTACAGACATGGAGGAAGACGTCTGTATTGAAAGTGCTGGAGTTGCTG-3'

ClinVar aggregate classification (germline): Pathogenic/Likely pathogenic. Review status: criteria provided, multiple submitters, no conflicts (2 of 4 stars). 4 submissions from 4 submitters: Pathogenic (2); Likely pathogenic (1). 1 of the submissions does not count toward it. Last evaluated 2024-12-02.

Conditions:
Retinitis pigmentosa (RP). Identifiers: Orphanet 791, MedGen C0035334, MeSH D012174, MONDO:0019200, OMIM 268000. Inheritance: Autosomal dominant, autosomal recessive and X linked inheritance.
Retinitis pigmentosa 25 (RP25). Identifiers: Orphanet 791, MedGen C1864446, MONDO:0011272, OMIM 602772.
EYS-related disorder. Also called: EYS-related condition.

Allele frequency attached by ClinVar (database versions not stated): gnomAD exomes below 0.00001.
gnomAD v4.1: 1 of 1,551,296 alleles (0.000064%); highest among the groups gnomAD compares: South Asian, 0.0012%; no homozygotes.

Submissions (4):

Labcorp Genetics (formerly Invitae), Labcorp
Classification: Pathogenic. Last evaluated: 2024-12-02. Review status: criteria provided, single submitter. Criteria: Invitae Variant Classification Sherloc (09022015). Collection method: clinical testing. Allele origin: germline.
Comment: This sequence change creates a premature translational stop signal (p.Trp1817*) in the EYS gene. It is expected to result in an absent or disrupted protein product. Loss-of-function variants in EYS are known to be pathogenic (PMID: 18836446, 20333770). This variant is not present in population databases (gnomAD no frequency). This premature translational stop signal has been observed in individual(s) with retinitis pigmentosa (PMID: 30513137). It has also been observed to segregate with disease in related individuals. ClinVar contains an entry for this variant (Variation ID: 802233). For these reasons, this variant has been classified as Pathogenic.

Blueprint Genetics
Classification: Likely pathogenic for EYS-related disorders. Last evaluated: 2019-07-04. Review status: criteria provided, single submitter. Criteria: ACMG Guidelines, 2015. Collection method: clinical testing. Allele origin: germline. Affected: yes. Observed: 1 variant allele.

Mendelics
Classification: Pathogenic for Retinitis pigmentosa 25. Last evaluated: 2019-05-28. Review status: criteria provided, single submitter. Criteria: Mendelics Assertion Criteria 2017. Collection method: clinical testing. Allele origin: unknown.

Sharon lab, Hadassah-Hebrew University Medical Center
Classification: Pathogenic for Retinitis pigmentosa. Last evaluated: 2019-06-23. Review status: no assertion criteria provided. Collection method: research. Allele origin: inherited. Affected: yes. Not counted in ClinVar's aggregate classification.

Literature cited by the submitters: PubMed 18836446 (cited by Labcorp Genetics (formerly Invitae), Labcorp); PubMed 20333770 (cited by Labcorp Genetics (formerly Invitae), Labcorp); PubMed 30513137 (cited by Labcorp Genetics (formerly Invitae), Labcorp).